The following is an entry in ClinVar:

NM_005222.4(DLX6):c.102GCA[9] (p.Gln44_Pro45insGlnGln)

Genes: DLX6 (distal-less homeobox 6; plus strand), DLX6-AS1 (DLX6 antisense RNA 1; minus strand). Cytogenetic location: 7q21.3.
Variant type: Microsatellite.
Coding change: c.102GCA[9] on transcript NM_005222.4 (MANE Select); nine copies in a row of the 3-base unit GCA starting at c.102; the reference has seven copies in a row; two copies, 6 bases duplicated.
Protein change: p.Gln44_Pro45insGlnGln.
Genome position (GRCh38, 1-based): chr7:97,006,094-97,006,099, GCAGCA duplicated; duplicating any 6 consecutive bases within chr7:97,006,077-97,006,099 gives the same sequence; the position shown is the placement nearest the transcript's 3' end. VCF-style (leftmost placement, unchanged base first): chr7-97006076-A-ACAGCAG. GRCh37 (hg19) VCF-style: chr7-96635388-A-ACAGCAG.
Identifiers: ClinVar variation 3704193 (VCV003704193.1).

ClinVar aggregate classification (germline): Uncertain significance (1 of 4 stars; one submission).

Submission:

Labcorp Genetics (formerly Invitae), Labcorp
Classification: Uncertain significance. Last evaluated: 2024-12-28. Review status: criteria provided, single submitter. Criteria: Invitae Variant Classification Sherloc (09022015). Collection method: clinical testing. Allele origin: germline.
Comment: This variant, c.117_122dup, results in the insertion of 2 amino acid(s) of the DLX6 protein (p.Gln43_Gln44dup), but otherwise preserves the integrity of the reading frame. The frequency data for this variant in the population databases is considered unreliable, as metrics indicate poor data quality at this position in the gnomAD database. This variant has not been reported in the literature in individuals affected with DLX6-related conditions. Experimental studies and prediction algorithms are not available or were not evaluated, and the functional significance of this variant is currently unknown. In summary, the available evidence is currently insufficient to determine the role of this variant in disease. Therefore, it has been classified as a Variant of Uncertain Significance.